The following is an entry in ClinVar:

ClinVar aggregate classification (germline): Uncertain significance (1 of 4 stars; one submission).

Conditions:
Familial cancer of breast. Also called: Hereditary breast cancer; BREAST CANCER, FAMILIAL; hereditary breast carcinoma. Identifiers: Orphanet 227535, MedGen C0346153, MONDO:0016419, OMIM 114480. Disease mechanism: loss of function.
Fanconi anemia complementation group J. Also called: BRIP1-Related Fanconi Anemia. Identifiers: Orphanet 84, MedGen C1836860, MONDO:0012187, OMIM 609054.

Allele frequency attached by ClinVar (database versions not stated): gnomAD exomes below 0.00001.
gnomAD v4.1: 2 of 1,614,066 alleles (0.00012%); highest among the groups gnomAD compares: Non-Finnish European, 0.00017%; no homozygotes.

Submission:

Labcorp Genetics (formerly Invitae), Labcorp
Classification: Uncertain significance for Familial cancer of breast; Fanconi anemia complementation group J. Last evaluated: 2021-07-27. Review status: criteria provided, single submitter. Criteria: Invitae Variant Classification Sherloc (09022015). Collection method: clinical testing. Allele origin: germline.
Comment: This sequence change replaces glutamine with arginine at codon 889 of the BRIP1 protein (p.Gln889Arg). The glutamine residue is moderately conserved and there is a small physicochemical difference between glutamine and arginine. This variant is not present in population databases (ExAC no frequency). This variant has not been reported in the literature in individuals with BRIP1-related conditions. Algorithms developed to predict the effect of missense changes on protein structure and function output the following: SIFT: "Tolerated"; PolyPhen-2: "Benign"; Align-GVGD: "Class C0". The arginine amino acid residue is found in multiple mammalian species, suggesting that this missense change does not adversely affect protein function. These predictions have not been confirmed by published functional studies and their clinical significance is uncertain. In summary, the available evidence is currently insufficient to determine the role of this variant in disease. Therefore, it has been classified as a Variant of Uncertain Significance.

NM_032043.3(BRIP1):c.2666A>G (p.Gln889Arg)

Gene: BRIP1 (BRCA1 interacting DNA helicase 1; minus strand). Cytogenetic location: 17q23.2.
Variant type: single nucleotide variant.
Coding change: c.2666A>G on transcript NM_032043.3 (MANE Select); coding-DNA position 2666, A replaced by G.
Protein change: p.Gln889Arg; replaces glutamine 889 with arginine.
Molecular consequence: missense variant.
Genome position (GRCh38, 1-based): chr17:61,686,075, T>C on the plus strand (A>G on the coding strand, the complement: BRIP1 is on the minus strand). VCF-style: chr17-61686075-T-C. GRCh37 (hg19) VCF-style: chr17-59763436-T-C.
Other names: short protein forms Q889R.
Identifiers: ClinVar variation 1460728 (VCV001460728.9), dbSNP rs2061359230, ClinGen allele CA400481823.